The following is an entry in ClinVar:

NM_198253.3(TERT):c.1730G>A (p.Arg577Gln)

Gene: TERT (telomerase reverse transcriptase; minus strand). Cytogenetic location: 5p15.33.
Variant type: single nucleotide variant.
Coding change: c.1730G>A on transcript NM_198253.3 (MANE Select); coding-DNA position 1730, G replaced by A.
Protein change: p.Arg577Gln; replaces arginine 577 with glutamine.
Molecular consequence: missense variant. On other transcripts: non-coding transcript variant (2).
Genome position (GRCh38, 1-based): chr5:1,282,468, C>T on the plus strand (G>A on the coding strand, the complement: TERT is on the minus strand). VCF-style: chr5-1282468-C-T. GRCh37 (hg19) VCF-style: chr5-1282583-C-T.
Other names: c.1730G>A, p.Arg577Gln (NM_001193376.3); short protein forms R577Q.
Identifiers: ClinVar variation 570647 (VCV000570647.50), dbSNP rs1311034283, ClinGen allele CA359082909.

ClinVar aggregate classification (germline): Conflicting classifications of pathogenicity. Review status: criteria provided, conflicting classifications (1 of 4 stars). 4 submissions from 4 submitters: Likely pathogenic (1); Uncertain significance (3). Last evaluated 2026-02-23.

Conditions:
Idiopathic Pulmonary Fibrosis. Also called: Idiopathic fibrosing alveolitis, chronic form; idiopathic fibrosing alveolitis. Identifiers: Orphanet 2032, MedGen C1800706, MeSH D054990, MONDO:0800504.
Dyskeratosis congenita, autosomal dominant 2. Identifiers: MedGen C3151443, MONDO:0013521, OMIM 613989.
Dyskeratosis congenita. Identifiers: Orphanet 1775, MedGen C0265965, MONDO:0015780.
TERT-related disorder. Also called: TERT-related condition; TERT-related disorders.

Allele frequency attached by ClinVar (database versions not stated): gnomAD exomes 0.00001.
gnomAD v4.1: 7 of 1,614,142 alleles (0.00043%); highest among the groups gnomAD compares: Admixed American, 0.0017%; no homozygotes.

Submissions (4):

Ambry Genetics
Classification: Uncertain significance for Dyskeratosis congenita. Last evaluated: 2026-02-23. Review status: criteria provided, single submitter. Criteria: Ambry Variant Classification Scheme 2023. Collection method: clinical testing. Allele origin: germline.
Comment: The p.R577Q variant (also known as c.1730G>A), located in coding exon 3 of the TERT gene, results from a G to A substitution at nucleotide position 1730. The arginine at codon 577 is replaced by glutamine, an amino acid with highly similar properties. This amino acid position is highly conserved in available vertebrate species. In addition, this alteration is predicted to be deleterious by in silico analysis. Based on the available evidence, the clinical significance of this variant remains unclear.

Blueprint Genetics
Classification: Likely pathogenic for TERT-related disorders. Last evaluated: 2024-10-28. Review status: criteria provided, single submitter. Criteria: ACMG Guidelines, 2015. Collection method: clinical testing. Allele origin: germline. Affected: yes. Observed: 5 variant alleles.

Baylor Genetics
Classification: Uncertain significance for Dyskeratosis congenita, autosomal dominant 2. Last evaluated: 2023-06-02. Review status: criteria provided, single submitter. Criteria: ACMG Guidelines, 2015. Collection method: clinical testing. Allele origin: unknown.

Labcorp Genetics (formerly Invitae), Labcorp
Classification: Uncertain significance for Dyskeratosis congenita, autosomal dominant 2; Idiopathic Pulmonary Fibrosis. Last evaluated: 2023-02-01. Review status: criteria provided, single submitter. Criteria: Invitae Variant Classification Sherloc (09022015). Collection method: clinical testing. Allele origin: germline.
Comment: This sequence change replaces arginine, which is basic and polar, with glutamine, which is neutral and polar, at codon 577 of the TERT protein (p.Arg577Gln). This variant is present in population databases (no rsID available, gnomAD 0.002%). This missense change has been observed in individual(s) with clinical features of telomeropathies (PMID: 30523342). ClinVar contains an entry for this variant (Variation ID: 570647). Advanced modeling of protein sequence and biophysical properties (such as structural, functional, and spatial information, amino acid conservation, physicochemical variation, residue mobility, and thermodynamic stability) performed at Invitae indicates that this missense variant is expected to disrupt TERT protein function. In summary, the available evidence is currently insufficient to determine the role of this variant in disease. Therefore, it has been classified as a Variant of Uncertain Significance.

Literature cited by the submitters: PubMed 30523342 (cited by Labcorp Genetics (formerly Invitae), Labcorp).